The following is an entry in ClinVar:

NM_017636.4(TRPM4):c.588T>A (p.Asn196Lys)

Gene: TRPM4 (transient receptor potential cation channel subfamily M member 4; plus strand). Cytogenetic location: 19q13.33.
Variant type: single nucleotide variant.
Coding change: c.588T>A on transcript NM_017636.4 (MANE Select); coding-DNA position 588, T replaced by A.
Protein change: p.Asn196Lys; replaces asparagine 196 with lysine.
Molecular consequence: missense variant. On other transcripts: 5 prime UTR variant (1), intron variant (2).
Genome position (GRCh38, 1-based): chr19:49,168,399, T>A. VCF-style: chr19-49168399-T-A. GRCh37 (hg19) VCF-style: chr19-49671656-T-A.
Other names: c.588T>A, p.Asn196Lys (NM_001195227.2); c.-966T>A (NM_001321282.2); c.66T>A, p.Asn22Lys (NM_001321283.2); c.268-154T>A (NM_001321281.2); c.-237-154T>A (NM_001321285.2); short protein forms N196K, N22K.
Identifiers: ClinVar variation 931525 (VCV000931525.4), dbSNP rs1967315779, ClinGen allele CA406791735.

ClinVar aggregate classification (germline): Uncertain significance. Review status: criteria provided, multiple submitters, no conflicts (2 of 4 stars). 2 submissions from 2 submitters: Uncertain significance (2). Last evaluated 2021-07-16.

Conditions:
Progressive familial heart block type IB (PFHB1B). Identifiers: Orphanet 871, MedGen C1970298, MONDO:0011474, OMIM 604559.

Submissions (2):

Blueprint Genetics
Classification: Uncertain significance. Last evaluated: 2021-07-16. Review status: criteria provided, single submitter. Criteria: ACMG Guidelines, 2015. Collection method: clinical testing. Allele origin: germline.

Centre for Mendelian Genomics, University Medical Centre Ljubljana
Classification: Uncertain significance for Progressive familial heart block type IB. Last evaluated: 2019-03-27. Review status: criteria provided, single submitter. Criteria: ACMG Guidelines, 2015. Collection method: clinical testing. Allele origin: unknown. Affected: yes.
Comment: This variant was classified as: Uncertain significance. The available evidence on this variant's pathogenicity is insufficient or conflicting. The following ACMG criteria were applied in classifying this variant: PM2.